The following is an entry in ClinVar:

ClinVar aggregate classification (germline): Uncertain significance (1 of 4 stars; one submission).

Submission:

Labcorp Genetics (formerly Invitae), Labcorp
Classification: Uncertain significance. Last evaluated: 2025-11-19. Review status: criteria provided, single submitter. Criteria: Invitae Variant Classification Sherloc (09022015). Collection method: clinical testing. Allele origin: germline.
Comment: This sequence change replaces valine, which is neutral and non-polar, with methionine, which is neutral and non-polar, at codon 89 of the SPPL2A protein (p.Val89Met). This variant is not present in population databases (gnomAD no frequency). This variant has not been reported in the literature in individuals affected with SPPL2A-related conditions. An algorithm developed to predict the effect of missense changes on protein structure and function (PolyPhen-2) suggests that this variant is likely to be disruptive. In summary, the available evidence is currently insufficient to determine the role of this variant in disease. Therefore, it has been classified as a Variant of Uncertain Significance.

NM_032802.4(SPPL2A):c.265G>A (p.Val89Met)

Gene: SPPL2A (signal peptide peptidase like 2A; minus strand). Cytogenetic location: 15q21.2.
Variant type: single nucleotide variant.
Coding change: c.265G>A on transcript NM_032802.4 (MANE Select); coding-DNA position 265, G replaced by A.
Protein change: p.Val89Met; replaces valine 89 with methionine.
Molecular consequence: missense variant.
Genome position (GRCh38, 1-based): chr15:50,748,783, C>T on the plus strand (G>A on the coding strand, the complement: SPPL2A is on the minus strand). VCF-style: chr15-50748783-C-T. GRCh37 (hg19) VCF-style: chr15-51040980-C-T.
Other names: c.265G>A, p.Val89Met (NM_001438111.1, NM_001438112.1); short protein forms V89M.
Identifiers: ClinVar variation 4730961 (VCV004730961.1).